The following is an entry in ClinVar:

NM_001001671.4(MAP3K15):c.2803C>T (p.Pro935Ser)

Gene: MAP3K15 (mitogen-activated protein kinase kinase kinase 15; minus strand). Cytogenetic location: Xp22.12.
Variant type: single nucleotide variant.
Coding change: c.2803C>T on transcript NM_001001671.4 (MANE Select); coding-DNA position 2803, C replaced by T.
Protein change: p.Pro935Ser; replaces proline 935 with serine.
Molecular consequence: missense variant.
Genome position (GRCh38, 1-based): chrX:19,373,666, G>A on the plus strand (C>T on the coding strand, the complement: MAP3K15 is on the minus strand). VCF-style: chrX-19373666-G-A. GRCh37 (hg19) VCF-style: chrX-19391784-G-A.
Other names: short protein forms P935S.
Identifiers: ClinVar variation 378109 (VCV000378109.1), dbSNP rs756780481, ClinGen allele CA10363648.

ClinVar aggregate classification (germline): Likely benign (1 of 4 stars; one submission).

Allele frequency attached by ClinVar (database versions not stated): TOPMed 0.00001 and 0.00002; gnomAD exomes 0.00002; gnomAD 0.00001; ExAC 0.00002.
gnomAD v4.1: 21 of 1,199,269 alleles (0.0018%); highest among the groups gnomAD compares: Admixed American, 0.0022%; no homozygotes.

Submission:

GeneDx
Classification: Likely benign. Last evaluated: 2015-08-21. Review status: criteria provided, single submitter. Criteria: GeneDx Variant Classification (06012015). Collection method: clinical testing. Allele origin: germline. Affected: yes.
Comment: This variant is considered likely benign or benign based on one or more of the following criteria: it is a conservative change, it occurs at a poorly conserved position in the protein, it is predicted to be benign by multiple in silico algorithms, and/or has population frequency not consistent with disease.